The following is an entry in ClinVar:

ClinVar aggregate classification (germline): Uncertain significance. Review status: criteria provided, multiple submitters, no conflicts (2 of 4 stars). 2 submissions from 2 submitters: Uncertain significance (2). Last evaluated 2024-09-10.

Allele frequency attached by ClinVar (database versions not stated): gnomAD exomes 0.00001 and 0.00003; TOPMed 0.00004; ExAC 0.00005; gnomAD 0.00005 and 0.00006; ESP Exome Variant Server 0.00015.
gnomAD v4.1: 15 of 1,613,284 alleles (0.00093%); highest among the groups gnomAD compares: African/African-American, 0.015%; no homozygotes.

Submissions (2):

Ambry Genetics
Classification: Uncertain significance. Last evaluated: 2024-09-10. Review status: criteria provided, single submitter. Criteria: Ambry Variant Classification Scheme 2023. Collection method: clinical testing. Allele origin: germline.

Labcorp Genetics (formerly Invitae), Labcorp
Classification: Uncertain significance. Last evaluated: 2021-01-14. Review status: criteria provided, single submitter. Criteria: Invitae Variant Classification Sherloc (09022015). Collection method: clinical testing. Allele origin: germline.
Comment: This sequence change replaces valine with isoleucine at codon 460 of the ADGRA3 protein (p.Val460Ile). The valine residue is moderately conserved and there is a small physicochemical difference between valine and isoleucine. In summary, the available evidence is currently insufficient to determine the role of this variant in disease. Therefore, it has been classified as a Variant of Uncertain Significance. Algorithms developed to predict the effect of missense changes on protein structure and function (SIFT, PolyPhen-2, Align-GVGD) all suggest that this variant is likely to be tolerated, but these predictions have not been confirmed by published functional studies and their clinical significance is uncertain. This variant has not been reported in the literature in individuals with ADGRA3-related conditions. This variant is present in population databases (rs140136425, ExAC 0.06%).

NM_145290.4(ADGRA3):c.1378G>A (p.Val460Ile)

Gene: ADGRA3 (adhesion G protein-coupled receptor A3; minus strand). Cytogenetic location: 4p15.2.
Variant type: single nucleotide variant.
Coding change: c.1378G>A on transcript NM_145290.4 (MANE Select); coding-DNA position 1378, G replaced by A.
Protein change: p.Val460Ile; replaces valine 460 with isoleucine.
Molecular consequence: missense variant.
Genome position (GRCh38, 1-based): chr4:22,435,376, C>T on the plus strand (G>A on the coding strand, the complement: ADGRA3 is on the minus strand). VCF-style: chr4-22435376-C-T. GRCh37 (hg19) VCF-style: chr4-22436999-C-T.
Other names: c.1378G>A (NM_145290.2); short protein forms V460I.
Identifiers: ClinVar variation 943422 (VCV000943422.10), dbSNP rs140136425, ClinGen allele CA2873973.
Genomic context (GRCh38, chr4:22,435,376, plus strand): 5'-TTGATTTTTCCTCCTTGGTAAATCTTCCAAATTTTTCAATCATTTCTGCCACAAATATAA[C>T]ATCCATTTTGTCAGAAAAGTTGGCTGCTTCCACAGTGTAAGCCAGTAACTGTCGAGCTGT-3'
Protein context (NP_660333.2, residues 450-470): EAANFSDKMD[Val460Ile]IFVAEMIEKF